The following is an entry in ClinVar:

NM_021930.6(RINT1):c.978G>C (p.Gln326His)

Gene: RINT1 (RAD50 interactor 1; plus strand). Cytogenetic location: 7q22.3.
Variant type: single nucleotide variant.
Coding change: c.978G>C on transcript NM_021930.6 (MANE Select); coding-DNA position 978, G replaced by C.
Protein change: p.Gln326His; replaces glutamine 326 with histidine.
Molecular consequence: missense variant. On other transcripts: 5 prime UTR variant (1), non-coding transcript variant (1), intron variant (1).
Genome position (GRCh38, 1-based): chr7:105,548,692, G>C. VCF-style: chr7-105548692-G-C. GRCh37 (hg19) VCF-style: chr7-105189139-G-C.
Other names: c.744G>C, p.Gln248His (NM_001346599.2); c.-42G>C (NM_001346600.2); c.54G>C, p.Gln18His (NM_001346601.2); c.-27-1363G>C (NM_001346603.2); short protein forms Q18H, Q248H, Q326H.
Identifiers: ClinVar variation 3789200 (VCV003789200.1).

ClinVar aggregate classification (germline): Uncertain significance (1 of 4 stars; one submission).

gnomAD v4.1: 1 of 1,612,854 alleles (0.000062%); highest among the groups gnomAD compares: South Asian, 0.0011%; no homozygotes.

Submission:

Ambry Genetics
Classification: Uncertain significance. Last evaluated: 2025-01-17. Review status: criteria provided, single submitter. Criteria: Ambry Variant Classification Scheme 2023. Collection method: clinical testing. Allele origin: germline.
Comment: The p.Q326H variant (also known as c.978G>C), located in coding exon 7 of the RINT1 gene, results from a G to C substitution at nucleotide position 978. The glutamine at codon 326 is replaced by histidine, an amino acid with highly similar properties. This amino acid position is conserved. In addition, this alteration is predicted to be tolerated by in silico analysis. Based on the available evidence, the clinical significance of this variant remains unclear.